The following is an entry in ClinVar:

ClinVar aggregate classification (germline): Uncertain significance (1 of 4 stars; one submission).

Allele frequency attached by ClinVar (database versions not stated): gnomAD exomes below 0.00001; gnomAD 0.00001; 1000 Genomes Project 30x 0.00016; 1000 Genomes Project 0.00020.

Submission:

Labcorp Genetics (formerly Invitae), Labcorp
Classification: Uncertain significance. Last evaluated: 2022-09-14. Review status: criteria provided, single submitter. Criteria: Invitae Variant Classification Sherloc (09022015). Collection method: clinical testing. Allele origin: germline.
Comment: In summary, the available evidence is currently insufficient to determine the role of this variant in disease. Therefore, it has been classified as a Variant of Uncertain Significance. This sequence change replaces valine, which is neutral and non-polar, with methionine, which is neutral and non-polar, at codon 44 of the FOXP1 protein (p.Val44Met). This variant is present in population databases (rs540360773, gnomAD 0.005%). This variant has not been reported in the literature in individuals affected with FOXP1-related conditions. Advanced modeling of protein sequence and biophysical properties (such as structural, functional, and spatial information, amino acid conservation, physicochemical variation, residue mobility, and thermodynamic stability) has been performed at Invitae for this missense variant, however the output from this modeling did not meet the statistical confidence thresholds required to predict the impact of this variant on FOXP1 protein function.

NM_001349338.3(FOXP1):c.130G>A (p.Val44Met)

Gene: FOXP1 (forkhead box P1; minus strand). Cytogenetic location: 3p13.
Variant type: single nucleotide variant.
Coding change: c.130G>A on transcript NM_001349338.3 (MANE Select); coding-DNA position 130, G replaced by A.
Protein change: p.Val44Met; replaces valine 44 with methionine.
Molecular consequence: missense variant. On other transcripts: non-coding transcript variant (2).
Genome position (GRCh38, 1-based): chr3:71,198,252, C>T on the plus strand (G>A on the coding strand, the complement: FOXP1 is on the minus strand). VCF-style: chr3-71198252-C-T. GRCh37 (hg19) VCF-style: chr3-71247403-C-T.
Other names: c.130G>A, p.Val44Met (NM_001012505.2, NM_001244808.3, NM_001244810.2 and 7 more transcripts); short protein forms V44M.
Identifiers: ClinVar variation 1719352 (VCV001719352.5), dbSNP rs540360773, ClinGen allele CA77135948.